The following is an entry in ClinVar:

NM_000128.4(F11):c.1837G>A (p.Glu613Lys)

Genes: F11 (coagulation factor XI; plus strand), F11-AS1 (F11 antisense RNA 1; minus strand). Cytogenetic location: 4q35.2.
Variant type: single nucleotide variant.
Coding change: c.1837G>A on transcript NM_000128.4 (MANE Select); coding-DNA position 1837, G replaced by A.
Protein change: p.Glu613Lys; replaces glutamic acid 613 with lysine.
Molecular consequence: missense variant. On other transcripts: non-coding transcript variant (1).
Genome position (GRCh38, 1-based): chr4:186,288,573, G>A. VCF-style: chr4-186288573-G-A. GRCh37 (hg19) VCF-style: chr4-187209727-G-A.
Other names: short protein forms E613K.
Identifiers: ClinVar variation 2440180 (VCV002440180.4), dbSNP rs760612112, ClinGen allele CA3164139.

ClinVar aggregate classification (germline): Conflicting classifications of pathogenicity. Review status: criteria provided, conflicting classifications (1 of 4 stars). 2 submissions from 2 submitters: Likely pathogenic (1); Uncertain significance (1). Last evaluated 2026-05-14.

Conditions:
Hereditary factor XI deficiency disease. Also called: PLASMA THROMBOPLASTIN ANTECEDENT DEFICIENCY; PTA DEFICIENCY; ROSENTHAL SYNDROME; Congenital factor XI deficiency. Identifiers: Orphanet 329, MedGen C0015523, MeSH D005173, MONDO:0012897, OMIM 612416.

Allele frequency attached by ClinVar (database versions not stated): gnomAD exomes below 0.00001; ExAC 0.00001; gnomAD 0.00001.
gnomAD v4.1: 6 of 1,614,050 alleles (0.00037%); highest among the groups gnomAD compares: South Asian, 0.0011%; no homozygotes.

Submissions (2):

Women's Health and Genetics/Laboratory Corporation of America, LabCorp
Classification: Uncertain significance. Last evaluated: 2026-05-14. Review status: criteria provided, single submitter. Criteria: LabCorp Variant Classification Summary - May 2015. Collection method: clinical testing. Allele origin: germline.
Comment: Variant summary: F11 c.1837G>A (p.Glu613Lys) results in a conservative amino acid change in the encoded protein sequence. Algorithms developed to predict the effect of missense changes on protein structure and function all suggest that this variant is likely to be tolerated. The variant was absent in 251462 control chromosomes. c.1837G>A has been observed in the heterozygous state in at least 1 individual(s) affected with partial Factor XI Deficiency Disease (Rimoldi_2018). These data do not allow any conclusion about variant significance. At least one publication reports experimental evidence evaluating an impact on protein function. The most pronounced variant effect results in 30%-50% of normal activity in an in vitro COS1 cell line assay (example, Rimoldi_2018). This variant was also reported heterozygous in at least 1 individual in the UK Biobank study (example, Stefanucci_2023). The following publications have been ascertained in the context of this evaluation (PMID: 37647632, 29178608). ClinVar contains an entry for this variant (Variation ID: 2440180). Based on the evidence outlined above, the variant was classified as VUS-possibly pathogenic.

Revvity Omics, Revvity
Classification: Likely pathogenic for Hereditary factor XI deficiency disease. Last evaluated: 2021-12-06. Review status: criteria provided, single submitter. Criteria: ACMG Guidelines, 2015. Collection method: clinical testing. Allele origin: germline.

Literature cited by the submitters: PubMed 29178608 (cited by Women's Health and Genetics/Laboratory Corporation of America, LabCorp); PubMed 37647632 (cited by Women's Health and Genetics/Laboratory Corporation of America, LabCorp).